The following is an entry in ClinVar:

ClinVar aggregate classification (germline): Pathogenic (1 of 4 stars; one submission).

Submission:

Labcorp Genetics (formerly Invitae), Labcorp
Classification: Pathogenic. Last evaluated: 2024-08-07. Review status: criteria provided, single submitter. Criteria: Invitae Variant Classification Sherloc (09022015). Collection method: clinical testing. Allele origin: germline.
Comment: This sequence change creates a premature translational stop signal (p.Cys88*) in the MME gene. It is expected to result in an absent or disrupted protein product. Loss-of-function variants in MME are known to be pathogenic (PMID: 26991897). This variant is not present in population databases (gnomAD no frequency). This premature translational stop signal has been observed in individual(s) with Charcot-Marie-Tooth disease (PMID: 26991897). ClinVar contains an entry for this variant (Variation ID: 1382696). For these reasons, this variant has been classified as Pathogenic.

Literature cited by the submitters: PubMed 26991897.

NM_007289.4(MME):c.264C>A (p.Cys88Ter)

Gene: MME (membrane metalloendopeptidase; plus strand). Cytogenetic location: 3q25.2.
Variant type: single nucleotide variant.
Coding change: c.264C>A on transcript NM_007289.4 (MANE Select); coding-DNA position 264, C replaced by A.
Protein change: p.Cys88Ter; replaces cysteine 88 with a stop codon.
Molecular consequence: nonsense.
Genome position (GRCh38, 1-based): chr3:155,115,061, C>A. VCF-style: chr3-155115061-C-A. GRCh37 (hg19) VCF-style: chr3-154832850-C-A.
Other names: c.264C>A, p.Cys88Ter (NM_000902.5, NM_001354642.2, NM_001354643.1 and 2 more transcripts); short protein forms C88*.
Identifiers: ClinVar variation 1382696 (VCV001382696.6), dbSNP rs200698972, ClinGen allele CA355127502.